The following is an entry in ClinVar:

ClinVar aggregate classification (germline): Uncertain significance (1 of 4 stars; one submission).

Conditions:
Cardiomyopathy (CMYO). Also called: Cardiomyopathies. Identifiers: Orphanet 167848, MedGen C0878544, MONDO:0004994, HP:0001638. Inheritance: Various modes of inheritance.

Submission:

Color Diagnostics, LLC DBA Color Health
Classification: Uncertain significance for Cardiomyopathy. Last evaluated: 2025-06-24. Review status: criteria provided, single submitter. Criteria: ACMG Guidelines, 2015. Collection method: clinical testing. Allele origin: germline.
Comment: This variant causes an in-frame deletion of one amino acid at exon 16 of the DSC2 protein. To our knowledge, functional studies have not been reported for this variant. This variant has not been reported in individuals affected with DSC2-related disorders in the literature. This variant has been identified in 3/251316 chromosomes in the general population by the Genome Aggregation Database (gnomAD). The available evidence is insufficient to determine the role of this variant in disease conclusively. Therefore, this variant is classified as a Variant of Uncertain Significance.

NM_024422.6(DSC2):c.2628AGA[2] (p.Glu878del)

Gene: DSC2 (desmocollin 2; minus strand). Cytogenetic location: 18q12.1.
Variant type: Microsatellite.
Coding change: c.2628AGA[2] on transcript NM_024422.6 (MANE Select); two copies in a row of the 3-base unit AGA starting at c.2628; the reference has three copies in a row; one copy, 3 bases deleted; also written c.2634_2636del.
Protein change: p.Glu878del; deletes glutamic acid 878.
Molecular consequence: inframe deletion. On other transcripts: 3 prime UTR variant (1).
Genome position (GRCh38, 1-based): chr18:31,068,085-31,068,087, TCT deleted on the plus strand (AGA on the coding strand, the reverse complement: DSC2 is on the minus strand); deleting any 3 consecutive bases within chr18:31,068,085-31,068,094 gives the same sequence; the position shown is the placement nearest the transcript's 3' end. VCF-style (leftmost placement, unchanged base first): chr18-31068084-ATCT-A. GRCh37 (hg19) VCF-style: chr18-28648050-ATCT-A.
Other names: c.*130AGA[2] (NM_004949.5); c.2634_2636del (NM_024422.6); short protein forms E878del.
Identifiers: ClinVar variation 1332645 (VCV001332645.5), dbSNP rs756886183, ClinGen allele CA031131.